The following is an entry in ClinVar:

ClinVar aggregate classification (germline): Pathogenic (1 of 4 stars; one submission).

Submission:

Labcorp Genetics (formerly Invitae), Labcorp
Classification: Pathogenic. Last evaluated: 2023-04-25. Review status: criteria provided, single submitter. Criteria: Invitae Variant Classification Sherloc (09022015). Collection method: clinical testing. Allele origin: germline.
Comment: Algorithms developed to predict the effect of sequence changes on RNA splicing suggest that this variant may disrupt the consensus splice site. This sequence change creates a premature translational stop signal (p.Trp793*) in the LRP2 gene. It is expected to result in an absent or disrupted protein product. Loss-of-function variants in LRP2 are known to be pathogenic (PMID: 17632512, 25682901). This variant is not present in population databases (gnomAD no frequency). This variant has not been reported in the literature in individuals affected with LRP2-related conditions. For these reasons, this variant has been classified as Pathogenic.

Literature cited by the submitters: PubMed 17632512; PubMed 25682901.

NM_004525.3(LRP2):c.2379G>A (p.Trp793Ter)

Gene: LRP2 (LDL receptor related protein 2; minus strand). Cytogenetic location: 2q31.1.
Variant type: single nucleotide variant.
Coding change: c.2379G>A on transcript NM_004525.3 (MANE Select); coding-DNA position 2379, G replaced by A.
Protein change: p.Trp793Ter; replaces tryptophan 793 with a stop codon.
Molecular consequence: nonsense.
Genome position (GRCh38, 1-based): chr2:169,259,159, C>T on the plus strand (G>A on the coding strand, the complement: LRP2 is on the minus strand). VCF-style: chr2-169259159-C-T. GRCh37 (hg19) VCF-style: chr2-170115669-C-T.
Other names: short protein forms W793*.
Identifiers: ClinVar variation 2859174 (VCV002859174.3), dbSNP rs1173511942, ClinGen allele CA349158539.